The following is an entry in ClinVar:

ClinVar aggregate classification (germline): Conflicting classifications of pathogenicity. Review status: criteria provided, conflicting classifications (1 of 4 stars). 2 submissions from 2 submitters: Uncertain significance (1); Benign (1). Last evaluated 2025-06-23.

Conditions:
Familial cancer of breast. Also called: hereditary breast carcinoma; Hereditary breast cancer; BREAST CANCER, FAMILIAL. Identifiers: Orphanet 227535, MedGen C0346153, MONDO:0016419, OMIM 114480. Disease mechanism: loss of function.
Hereditary cancer-predisposing syndrome. Also called: Neoplastic Syndromes, Hereditary; Tumor predisposition; Hereditary Cancer Syndrome; Hereditary neoplastic syndrome. Identifiers: Orphanet 140162, MedGen C0027672, MeSH D009386, MONDO:0015356.

Submissions (2):

Color Diagnostics, LLC DBA Color Health
Classification: Uncertain significance for Hereditary cancer-predisposing syndrome. Last evaluated: 2025-06-23. Review status: criteria provided, single submitter. Criteria: ACMG Guidelines, 2015. Collection method: clinical testing. Allele origin: germline.
Comment: This variant is located in the BARD1 protein. To our knowledge, functional studies have not been reported for this variant. This variant has not been reported in individuals affected with BARD1-related disorders in the literature. This variant has not been identified in the general population by the Genome Aggregation Database (gnomAD). The available evidence is insufficient to determine the role of this variant in disease conclusively. Therefore, this variant is classified as a Variant of Uncertain Significance.

Myriad Genetics, Inc.
Classification: Benign for Familial cancer of breast. Last evaluated: 2024-07-26. Review status: criteria provided, single submitter. Criteria: Myriad Autosomal Dominant, Autosomal Recessive and X-Linked Classification Criteria (2023). Collection method: clinical testing. Allele origin: unknown.
Comment: This variant is considered benign. This variant is a silent/synonymous amino acid change and it is not expected to impact splicing.

NM_000465.4(BARD1):c.1584G>C (p.Leu528=)

Gene: BARD1 (BRCA1 associated RING domain 1; minus strand). Cytogenetic location: 2q35.
Variant type: single nucleotide variant.
Coding change: c.1584G>C on transcript NM_000465.4 (MANE Select); coding-DNA position 1584, G replaced by C.
Protein change: p.Leu528=; no amino-acid change (leucine 528 retained).
Molecular consequence: synonymous variant. On other transcripts: non-coding transcript variant (3), intron variant (1).
Genome position (GRCh38, 1-based): chr2:214,752,540, C>G on the plus strand (G>C on the coding strand, the complement: BARD1 is on the minus strand). VCF-style: chr2-214752540-C-G. GRCh37 (hg19) VCF-style: chr2-215617264-C-G.
Other names: c.1527G>C, p.Leu509= (NM_001282543.2); c.231G>C, p.Leu77= (NM_001282545.2); c.174G>C, p.Leu58= (NM_001282548.2); c.365-22032G>C (NM_001282549.2).
Identifiers: ClinVar variation 3378529 (VCV003378529.2).